The following is an entry in ClinVar:

ClinVar aggregate classification (germline): Likely benign (1 of 4 stars; one submission).

gnomAD v4.1: 4 of 1,614,232 alleles (0.00025%); highest among the groups gnomAD compares: South Asian, 0.0011%; no homozygotes.

Submission:

CeGaT Center for Human Genetics Tuebingen
Classification: Likely benign. Last evaluated: 2026-02-01. Review status: criteria provided, single submitter. Criteria: CeGaT Center For Human Genetics Tuebingen Variant Classification Criteria Version 2. Collection method: clinical testing. Allele origin: germline. Affected: yes. Observed: 1 variant allele.
Comment: TRAPPC4: BP4, BP7

NM_016146.6(TRAPPC4):c.63C>T (p.Ser21=)

Gene: TRAPPC4 (trafficking protein particle complex subunit 4; plus strand). Cytogenetic location: 11q23.3.
Variant type: single nucleotide variant.
Coding change: c.63C>T on transcript NM_016146.6 (MANE Select); coding-DNA position 63, C replaced by T.
Protein change: p.Ser21=; no amino-acid change (serine 21 retained).
Molecular consequence: synonymous variant. On other transcripts: 5 prime UTR variant (2).
Genome position (GRCh38, 1-based): chr11:119,018,858, C>T. VCF-style: chr11-119018858-C-T. GRCh37 (hg19) VCF-style: chr11-118889568-C-T.
Other names: c.-152C>T (NM_001318486.2); c.63C>T, p.Ser21= (NM_001318488.2, NM_001318489.2, NM_001318490.2 and 1 more transcripts); c.-360C>T (NM_001318492.2).
Identifiers: ClinVar variation 4823557 (VCV004823557.4).